The following is an entry in ClinVar:

NC_000007.13:g.(117120202_117144306)_(117144418_117149087)del

Gene: CFTR (CF transmembrane conductance regulator; plus strand). Cytogenetic location: 7q31.2.
Variant type: Deletion.
Identifiers: ClinVar variation 2445810 (VCV002445810.1).

ClinVar aggregate classification (germline): Pathogenic (1 of 4 stars; one submission).

Conditions:
Cystic fibrosis (CF). Also called: MUCOVISCIDOSIS. Identifiers: Orphanet 586, MedGen C0010674, MONDO:0009061, OMIM 219700. Disease mechanism: loss of function.

Submission:

Women's Health and Genetics/Laboratory Corporation of America, LabCorp
Classification: Pathogenic for Cystic fibrosis. Last evaluated: 2023-02-02. Review status: criteria provided, single submitter. Criteria: LabCorp Variant Classification Summary - May 2015. Collection method: clinical testing. Allele origin: germline.
Comment: Variant summary: The variant identified by MLPA or other technology involves the deletion of exon 2 in the CFTR gene. A presumed nomenclature of c.(53+1_54-1)_(164+1_165-1)del has been designated for the purposes of this classification. Although exact breakpoints of this deletion are not known, it is expected to result in a large in-frame deletion change in the CFTR gene, a known mechanism of disease. The variant was absent in 21694 control chromosomes. c.(53+1_54-1)_(164+1_165-1)del has been reported in the literature in multiple individuals affected with Cystic Fibrosis. These data indicate that the variant is very likely to be associated with disease. Two clinical diagnostic laboratories have submitted clinical-significance assessments for this variant to ClinVar after 2014 without evidence for independent evaluation. Both laboratories classified the variant as pathogenic. Based on the evidence outlined above, the variant was classified as pathogenic.

Literature cited by the submitters: PubMed 18279436; PubMed 22658665.